The following is an entry in ClinVar:

NM_003126.4(SPTA1):c.4622A>G (p.His1541Arg)

Gene: SPTA1 (spectrin alpha, erythrocytic 1; minus strand). Cytogenetic location: 1q23.1.
Variant type: single nucleotide variant.
Coding change: c.4622A>G on transcript NM_003126.4 (MANE Select); coding-DNA position 4622, A replaced by G.
Protein change: p.His1541Arg; replaces histidine 1541 with arginine.
Molecular consequence: missense variant.
Genome position (GRCh38, 1-based): chr1:158,642,526, T>C on the plus strand (A>G on the coding strand, the complement: SPTA1 is on the minus strand). VCF-style: chr1-158642526-T-C. GRCh37 (hg19) VCF-style: chr1-158612316-T-C.
Other names: short protein forms H1541R.
Identifiers: ClinVar variation 5002397 (VCV005002397.1).

ClinVar aggregate classification (germline): Uncertain significance (1 of 4 stars; one submission).

Conditions:
SPTA1-related disorder. Also called: SPTA1-related condition; SPTA1-related disorders.

Submission:

PreventionGenetics, part of Exact Sciences
Classification: Uncertain significance for SPTA1-related condition. Last evaluated: 2025-08-06. Review status: criteria provided, single submitter. Criteria: ACMG Guidelines, 2015. Collection method: clinical testing. Allele origin: germline.
Comment: The SPTA1 c.4622A>G variant is predicted to result in the amino acid substitution p.His1541Arg. To our knowledge, this variant has not been reported in the literature or in a large population database (gnomAD), indicating this variant is rare. At this time, the clinical significance of this variant is uncertain due to the absence of conclusive functional and genetic evidence.